The following is an entry in ClinVar:

NC_000005.9:g.(?_13840995)_(13841259_?)del

Gene: DNAH5 (dynein axonemal heavy chain 5; minus strand). Cytogenetic location: 5p15.2.
Variant type: Deletion.
Identifiers: ClinVar variation 1003421 (VCV001003421.1).

ClinVar aggregate classification (germline): Uncertain significance (1 of 4 stars; one submission).

Conditions:
Primary ciliary dyskinesia. Also called: Ciliary dyskinesia. Identifiers: Orphanet 244, MedGen C0008780, MONDO:0016575, HP:0012265.

Submission:

Labcorp Genetics (formerly Invitae), Labcorp
Classification: Uncertain significance for Primary ciliary dyskinesia. Last evaluated: 2020-09-16. Review status: criteria provided, single submitter. Criteria: Invitae Variant Classification Sherloc (09022015). Collection method: clinical testing. Allele origin: germline.
Comment: This variant is an in-frame deletion of the genomic region encompassing exon(s) 34 of the DNAH5 gene. It preserves the integrity of the reading frame. This variant has been observed in individual(s) with clinical features of DNAH5-related conditions (Invitae). Experimental studies and prediction algorithms are not available or were not evaluated, and the functional significance of this variant is currently unknown. This variant disrupts a region of the protein in which other variant(s) (p.Ala1849Thr) have been observed in individuals with DNAH5-related conditions (PMID: 25802884). This suggests that this may be a clinically significant region of the DNAH5 protein. In summary, the available evidence is currently insufficient to determine the role of this variant in disease. Therefore, it has been classified as a Variant of Uncertain Significance.

Literature cited by the submitters: PubMed 25802884.